The following is an entry in ClinVar:

NM_006846.4(SPINK5):c.136C>A (p.Gln46Lys)

Gene: SPINK5 (serine peptidase inhibitor Kazal type 5; plus strand). Cytogenetic location: 5q32.
Variant type: single nucleotide variant.
Coding change: c.136C>A on transcript NM_006846.4 (MANE Select); coding-DNA position 136, C replaced by A.
Protein change: p.Gln46Lys; replaces glutamine 46 with lysine.
Molecular consequence: missense variant.
Genome position (GRCh38, 1-based): chr5:148,070,377, C>A. VCF-style: chr5-148070377-C-A. GRCh37 (hg19) VCF-style: chr5-147449940-C-A.
Other names: c.136C>A, p.Gln46Lys (NM_001127698.2, NM_001127699.2); short protein forms Q46K.
Identifiers: ClinVar variation 3353505 (VCV003353505.1).
Genomic context (GRCh38, chr5:148,070,377, plus strand): 5'-TCTTAGGAAATGTGCCATGAATTTCAGGCATTTATGAAAAATGGAAAACTGTTCTGTCCC[C>A]AGGATAAGAAATTTTTTCAAAGTCTTGATGGAATAATGTTCATCAATAAATGTGCCACGT-3'
Protein context (NP_006837.2, residues 36-56): FMKNGKLFCP[Gln46Lys]DKKFFQSLDG

ClinVar aggregate classification (germline): Uncertain significance (0 of 4 stars; one submission).

Conditions:
SPINK5-related disorder. Also called: SPINK5-related condition.

Submission:

PreventionGenetics, part of Exact Sciences
Classification: Uncertain significance for SPINK5-related condition. Last evaluated: 2024-03-08. Review status: no assertion criteria provided. Collection method: clinical testing. Allele origin: germline.
Comment: The SPINK5 c.136C>A variant is predicted to result in the amino acid substitution p.Gln46Lys. To our knowledge, this variant has not been reported in the literature or in a large population database, indicating this variant is rare. At this time, the clinical significance of this variant is uncertain due to the absence of conclusive functional and genetic evidence.